The following is an entry in ClinVar:

NM_001135608.3(ARHGAP26):c.255A>G (p.Arg85=)

Gene: ARHGAP26 (Rho GTPase activating protein 26; plus strand). Cytogenetic location: 5q31.3.
Variant type: single nucleotide variant.
Coding change: c.255A>G on transcript NM_001135608.3 (MANE Select); coding-DNA position 255, A replaced by G.
Protein change: p.Arg85=; no amino-acid change (arginine 85 retained).
Molecular consequence: synonymous variant. On other transcripts: non-coding transcript variant (1).
Genome position (GRCh38, 1-based): chr5:142,875,114, A>G. VCF-style: chr5-142875114-A-G. GRCh37 (hg19) VCF-style: chr5-142254679-A-G.
Other names: c.147A>G, p.Arg49= (NM_001349547.2); c.255A>G, p.Arg85= (NM_015071.6).
Identifiers: ClinVar variation 3059213 (VCV003059213.2), dbSNP rs185200, ClinGen allele CA3485973.

ClinVar aggregate classification (germline): Benign (0 of 4 stars; one submission).

Conditions:
ARHGAP26-related disorder. Also called: ARHGAP26-related condition.

Allele frequency attached by ClinVar (database versions not stated): gnomAD exomes 0.34791; ExAC 0.44677; ESP Exome Variant Server 0.46202; gnomAD 0.48139; TOPMed 0.50815; 1000 Genomes Project 30x 0.67208; 1000 Genomes Project 0.67372.
gnomAD v4.1: 584,090 of 1,612,584 alleles (36%); highest among the groups gnomAD compares: East Asian, 86%; 126,814 homozygotes.

Submission:

PreventionGenetics, part of Exact Sciences
Classification: Benign for ARHGAP26-related condition. Last evaluated: 2019-10-17. Review status: no assertion criteria provided. Collection method: clinical testing. Allele origin: germline.
Comment: This variant is classified as benign based on ACMG/AMP sequence variant interpretation guidelines (Richards et al. 2015 PMID: 25741868, with internal and published modifications).